The following is an entry in ClinVar:

ClinVar aggregate classification (germline): Pathogenic (1 of 4 stars; one submission).

Submission:

Labcorp Genetics (formerly Invitae), Labcorp
Classification: Pathogenic. Last evaluated: 2023-05-13. Review status: criteria provided, single submitter. Criteria: Invitae Variant Classification Sherloc (09022015). Collection method: clinical testing. Allele origin: germline.
Comment: For these reasons, this variant has been classified as Pathogenic. This variant has not been reported in the literature in individuals affected with TMPRSS15-related conditions. This variant is a gross deletion of the genomic region encompassing exon(s) 1 of the TMPRSS15 gene, which includes the initiator codon. This deletion extends beyond the assayed region for this gene and therefore may encompass additional genes. It is expected to result in an absent or disrupted protein product. Loss-of-function variants in TMPRSS15 are known to be pathogenic (PMID: 11719902).

Literature cited by the submitters: PubMed 11719902.

NC_000021.8:g.(?_19775775)_(19775939_?)del

Gene: TMPRSS15 (transmembrane serine protease 15; minus strand). Cytogenetic location: 21q21.1.
Variant type: Deletion.
Identifiers: ClinVar variation 2424536 (VCV002424536.4).